The following is an entry in ClinVar:

NM_018451.5(CPAP):c.16A>G (p.Thr6Ala)

Gene: CPAP (centrosome assembly and centriole elongation protein; minus strand). Cytogenetic location: 13q12.13.
Variant type: single nucleotide variant.
Coding change: c.16A>G on transcript NM_018451.5 (MANE Select); coding-DNA position 16, A replaced by G.
Protein change: p.Thr6Ala; replaces threonine 6 with alanine.
Molecular consequence: missense variant. On other transcripts: non-coding transcript variant (2).
Genome position (GRCh38, 1-based): chr13:24,913,010, T>C on the plus strand (A>G on the coding strand, the complement: CPAP is on the minus strand). VCF-style: chr13-24913010-T-C. GRCh37 (hg19) VCF-style: chr13-25487148-T-C.
Other names: short protein forms T6A.
Identifiers: ClinVar variation 3025077 (VCV003025077.22), dbSNP rs757775034, ClinGen allele CA6920092.

ClinVar aggregate classification (germline): Uncertain significance (1 of 4 stars; one submission).

Allele frequency attached by ClinVar (database versions not stated): gnomAD 0.00002; TOPMed 0.00003; ExAC 0.00005; gnomAD exomes 0.00006.
gnomAD v4.1: 94 of 1,613,850 alleles (0.0058%); highest among the groups gnomAD compares: Middle Eastern, 0.016%; no homozygotes.

Submission:

CeGaT Center for Human Genetics Tuebingen
Classification: Uncertain significance. Last evaluated: 2024-02-01. Review status: criteria provided, single submitter. Criteria: CeGaT Center For Human Genetics Tuebingen Variant Classification Criteria Version 2. Collection method: clinical testing. Allele origin: germline. Affected: yes. Observed: 1 variant allele.
Comment: CPAP: PM2, BP4